The following is an entry in ClinVar:

NM_001098671.2(RASGRP2):c.1717C>T (p.Arg573Cys)

Gene: RASGRP2 (RAS guanyl releasing protein 2; minus strand). Cytogenetic location: 11q13.1.
Variant type: single nucleotide variant.
Coding change: c.1717C>T on transcript NM_001098671.2 (MANE Select); coding-DNA position 1717, C replaced by T.
Protein change: p.Arg573Cys; replaces arginine 573 with cysteine.
Molecular consequence: missense variant.
Genome position (GRCh38, 1-based): chr11:64,728,917, G>A on the plus strand (C>T on the coding strand, the complement: RASGRP2 is on the minus strand). VCF-style: chr11-64728917-G-A. GRCh37 (hg19) VCF-style: chr11-64496389-G-A.
Other names: c.1717C>T, p.Arg573Cys (NM_001098670.2, NM_153819.2); c.1282C>T, p.Arg428Cys (NM_001318398.2); short protein forms R428C, R573C.
Identifiers: ClinVar variation 1684320 (VCV001684320.1), dbSNP rs770760594, ClinGen allele CA6078816.

ClinVar aggregate classification (germline): Uncertain significance (0 of 4 stars; one submission).

Conditions:
Platelet-type bleeding disorder 18 (BDPLT18). Identifiers: Orphanet 420566, MedGen C4014584, MONDO:0014386, OMIM 615888.

Allele frequency attached by ClinVar (database versions not stated): gnomAD 0.00001; gnomAD exomes 0.00004 and 0.00003; ExAC 0.00006; TOPMed 0.00002.
gnomAD v4.1: 42 of 1,613,044 alleles (0.0026%); highest among the groups gnomAD compares: African/African-American, 0.004%; no homozygotes.

Submission:

ISTH-SSC Genomics in Thrombosis and Hemostasis, KU Leuven, Center for Molecular and Vascular Biology
Classification: Uncertain significance for Platelet-type bleeding disorder 18. Review status: no assertion criteria provided. Collection method: clinical testing. Allele origin: unknown. Affected: yes.
Comment: Submitted to GoldVariant by Bilal Jradeh from Katharine Dormandy Haemophilia and Thrombosis Centre, Royal Free Hospital, London, UK